The following is an entry in ClinVar:

NM_144498.4(OSBPL2):c.711C>T (p.Cys237=)

Gene: OSBPL2 (oxysterol binding protein like 2; plus strand). Cytogenetic location: 20q13.33.
Variant type: single nucleotide variant.
Coding change: c.711C>T on transcript NM_144498.4 (MANE Select); coding-DNA position 711, C replaced by T.
Protein change: p.Cys237=; no amino-acid change (cysteine 237 retained).
Molecular consequence: synonymous variant.
Genome position (GRCh38, 1-based): chr20:62,281,094, C>T. VCF-style: chr20-62281094-C-T. GRCh37 (hg19) VCF-style: chr20-60856150-C-T.
Other names: c.435C>T, p.Cys145= (NM_001278649.3, NM_001363878.2); c.675C>T, p.Cys225= (NM_014835.5).
Identifiers: ClinVar variation 4977155 (VCV004977155.1).

ClinVar aggregate classification (germline): Likely benign (1 of 4 stars; one submission).

Conditions:
OSBPL2-related disorder. Also called: OSBPL2-related condition.

Submission:

PreventionGenetics, part of Exact Sciences
Classification: Likely benign for OSBPL2-related condition. Last evaluated: 2024-12-31. Review status: criteria provided, single submitter. Criteria: ACMG Guidelines, 2015. Collection method: clinical testing. Allele origin: germline.
Comment: This variant is classified as likely benign based on ACMG/AMP sequence variant interpretation guidelines (Richards et al. 2015 PMID: 25741868, with internal and published modifications).